The following is an entry in ClinVar:

NM_001375524.1(TRRAP):c.11312G>A (p.Arg3771Gln)

Gene: TRRAP (transformation/transcription domain associated protein; plus strand). Cytogenetic location: 7q22.1.
Variant type: single nucleotide variant.
Coding change: c.11312G>A on transcript NM_001375524.1 (MANE Select); coding-DNA position 11312, G replaced by A.
Protein change: p.Arg3771Gln; replaces arginine 3771 with glutamine.
Molecular consequence: missense variant.
Genome position (GRCh38, 1-based): chr7:99,011,510, G>A. VCF-style: chr7-99011510-G-A. GRCh37 (hg19) VCF-style: chr7-98609133-G-A.
Other names: c.11270G>A, p.Arg3757Gln (NM_001244580.2); c.11183G>A, p.Arg3728Gln (NM_003496.4); short protein forms R3728Q, R3757Q, R3771Q.
Identifiers: ClinVar variation 3251540 (VCV003251540.1), dbSNP rs987263983.

ClinVar aggregate classification (germline): Uncertain significance (1 of 4 stars; one submission).

Allele frequency attached by ClinVar (database versions not stated): TOPMed below 0.00001; gnomAD 0.00001; gnomAD exomes 0.00001.
gnomAD v4.1: 9 of 1,613,820 alleles (0.00056%); highest among the groups gnomAD compares: Admixed American, 0.0017%; no homozygotes.

Submission:

Women's Health and Genetics/Laboratory Corporation of America, LabCorp
Classification: Uncertain significance. Last evaluated: 2024-04-04. Review status: criteria provided, single submitter. Criteria: LabCorp Variant Classification Summary - May 2015. Collection method: clinical testing. Allele origin: germline.
Comment: Variant summary: TRRAP c.11183G>A (p.Arg3728Gln) results in a conservative amino acid change located in the Phosphatidylinositol 3-/4-kinase, catalytic domain of the encoded protein sequence. Three of five in-silico tools predict a damaging effect of the variant on protein function. The variant allele was found at a frequency of 8e-06 in 251002 control chromosomes. c.11183G>A has been reported in the literature in one individual affected with epileptic encephalopathy. These data do not allow any conclusion about variant significance. To our knowledge, no experimental evidence demonstrating an impact on protein function has been reported. No submitters have cited clinical-significance assessments for this variant to ClinVar. Based on the evidence outlined above, the variant was classified as VUS-possibly pathogenic.

Literature cited by the submitters: PubMed 23934111.